The following is an entry in ClinVar:

ClinVar aggregate classification (germline): Uncertain significance (1 of 4 stars; one submission).

Conditions:
NRXN3-related disorder. Also called: NRXN3-related condition.

Submission:

PreventionGenetics, part of Exact Sciences
Classification: Uncertain significance for NRXN3-related condition. Last evaluated: 2025-09-04. Review status: criteria provided, single submitter. Criteria: ACMG Guidelines, 2015. Collection method: clinical testing. Allele origin: germline.
Comment: The NRXN3 c.4179dupA variant is predicted to result in a frameshift and premature protein termination (p.Val1394Serfs*5). In the primary transcript, this variant is located in an intron (NM_004796:c.2885-236dup (Intronic)). To our knowledge, this variant has not been reported in the literature or in a large population database (gnomAD), indicating this variant is rare. At this time, the clinical significance of this variant is uncertain due to the absence of conclusive functional and genetic evidence.

NM_001330195.2(NRXN3):c.4179dup (p.Val1394fs)

Gene: NRXN3 (neurexin 3; plus strand). Cytogenetic location: 14q31.1.
Variant type: Duplication.
Coding change: c.4179dup on transcript NM_001330195.2 (MANE Select); coding-DNA position 4179, one base duplicated (A; older notation c.4179dupA).
Protein change: p.Val1394fs; shifts the reading frame from valine 1394.
Molecular consequence: frameshift variant. On other transcripts: non-coding transcript variant (5), intron variant (4).
Genome position (GRCh38, 1-based): chr14:79,861,427, A duplicated; the last of 3 consecutive A bases (chr14:79,861,425-79,861,427); duplicating any one gives the same sequence. VCF-style (leftmost placement, unchanged base first): chr14-79861424-C-CA. GRCh37 (hg19) VCF-style: chr14-80327767-C-CA.
Other names: c.1377dup, p.Val460fs (NM_001272020.2); c.4089dup, p.Val1364fs (NM_001366425.1); c.4106-236dup (NM_001366426.1); c.2885-236dup (NM_004796.6); c.1079-236dup (NM_001105250.3); c.998-236dup (NM_138970.5); short protein forms V1394fs, V460fs, V1364fs.
Identifiers: ClinVar variation 5002523 (VCV005002523.1).